The following is an entry in ClinVar:

ClinVar aggregate classification (germline): Benign/Likely benign. Review status: criteria provided, multiple submitters, no conflicts (2 of 4 stars). 6 submissions from 6 submitters: Benign (1); Likely benign (4). 1 of the submissions does not count toward it. Last evaluated 2026-08-01.

Conditions:
CACNA1A-related disorder. Also called: CACNA1A-related condition.
Developmental and epileptic encephalopathy, 42 (DEE42A). Also called: Epileptic encephalopathy, early infantile, 42; DEVELOPMENTAL AND EPILEPTIC ENCEPHALOPATHY 42A; EPILEPTIC ENCEPHALOPATHY, EARLY INFANTILE, 42A. Identifiers: MedGen C4310716, MONDO:0014917, OMIM 617106.
Episodic ataxia type 2 (EA2). Also called: ACETAZOLAMIDE-RESPONSIVE HEREDITARY PAROXYSMAL CEREBELLAR ATAXIA; ATAXIA, EPISODIC, WITH NYSTAGMUS; ATAXIA, FAMILIAL PAROXYSMAL; CEREBELLAR ATAXIA, PAROXYSMAL, ACETAZOLAMIDE-RESPONSIVE; CEREBELLOPATHY, HEREDITARY PAROXYSMAL; EPISODIC ATAXIA, NYSTAGMUS-ASSOCIATED. Identifiers: Orphanet 97, MedGen C1720416, MONDO:0007163, OMIM 108500.

Allele frequency attached by ClinVar (database versions not stated): 1000 Genomes Project 30x 0.00062; gnomAD exomes 0.00006; ExAC 0.00012; gnomAD 0.00019; TOPMed 0.00039; 1000 Genomes Project 0.00060.
gnomAD v4.1: 71 of 1,587,034 alleles (0.0045%); highest among the groups gnomAD compares: Admixed American, 0.069%; no homozygotes.

Submissions (6):

CeGaT Center for Human Genetics Tuebingen
Classification: Likely benign. Last evaluated: 2026-08-01. Review status: criteria provided, single submitter. Criteria: CeGaT Center For Human Genetics Tuebingen Variant Classification Criteria Version 2. Collection method: clinical testing. Allele origin: germline. Affected: yes. Observed: 1 variant allele.
Comment: CACNA1A: BP4

Labcorp Genetics (formerly Invitae), Labcorp
Classification: Likely benign for Developmental and epileptic encephalopathy, 42; Episodic ataxia type 2. Last evaluated: 2025-12-16. Review status: criteria provided, single submitter. Criteria: Invitae Variant Classification Sherloc (09022015). Collection method: clinical testing. Allele origin: germline.

Athena Diagnostics
Classification: Benign. Last evaluated: 2025-06-09. Review status: criteria provided, single submitter. Criteria: Athena Diagnostics Criteria. Collection method: clinical testing. Allele origin: unknown.
Comment: The frequency of this variant in the general population is higher than would generally be expected for pathogenic variants in this gene. Computational tools yielded predictions that this variant is unlikely to have an effect on normal RNA splicing. This nucleotide position exhibits low evolutionary conservation.

Mayo Clinic Laboratories, Mayo Clinic
Classification: Likely benign. Last evaluated: 2025-03-26. Review status: criteria provided, single submitter. Criteria: ACMG Guidelines, 2015. Collection method: clinical testing. Allele origin: germline. Observed: 1 variant allele.
Comment: BS2, BP4, BP7

GeneDx
Classification: Likely benign. Last evaluated: 2017-08-22. Review status: criteria provided, single submitter. Criteria: GeneDx Variant Classification (06012015). Collection method: clinical testing. Allele origin: germline. Affected: yes.
Comment: This variant is considered likely benign or benign based on one or more of the following criteria: it is a conservative change, it occurs at a poorly conserved position in the protein, it is predicted to be benign by multiple in silico algorithms, and/or has population frequency not consistent with disease.

PreventionGenetics, part of Exact Sciences
Classification: Likely benign for CACNA1A-related condition. Last evaluated: 2019-03-21. Review status: no assertion criteria provided. Collection method: clinical testing. Allele origin: germline. Not counted in ClinVar's aggregate classification.
Comment: This variant is classified as likely benign based on ACMG/AMP sequence variant interpretation guidelines (Richards et al. 2015 PMID: 25741868, with internal and published modifications).

NM_001127222.2(CACNA1A):c.1781+7C>A

Gene: CACNA1A (calcium voltage-gated channel subunit alpha1 A; minus strand). Cytogenetic location: 19p13.13.
Variant type: single nucleotide variant.
Coding change: c.1781+7C>A on transcript NM_001127222.2 (MANE Select); 7 bases into the intron after coding-DNA position 1781, C replaced by A.
Molecular consequence: intron variant.
Genome position (GRCh38, 1-based): chr19:13,308,409, G>T on the plus strand (C>A on the coding strand, the complement: CACNA1A is on the minus strand). VCF-style: chr19-13308409-G-T. GRCh37 (hg19) VCF-style: chr19-13419223-G-T.
Other names: p.?; c.1784+7C>A (NM_001127221.2, NM_001174080.2, NM_000068.4 and 1 more transcripts); c.1781+7C>A (NM_001127222.1).
Identifiers: ClinVar variation 388010 (VCV000388010.18), dbSNP rs202005119, ClinGen allele CA9240743.